The following is an entry in ClinVar:

ClinVar aggregate classification (germline): Uncertain significance (1 of 4 stars; one submission).

Conditions:
Hereditary cancer-predisposing syndrome. Also called: Hereditary neoplastic syndrome; Neoplastic Syndromes, Hereditary; Tumor predisposition; Hereditary Cancer Syndrome. Identifiers: Orphanet 140162, MedGen C0027672, MeSH D009386, MONDO:0015356.

Submission:

Ambry Genetics
Classification: Uncertain significance for Hereditary cancer-predisposing syndrome. Last evaluated: 2025-07-02. Review status: criteria provided, single submitter. Criteria: Ambry Variant Classification Scheme 2023. Collection method: clinical testing. Allele origin: germline.
Comment: The p.R250W variant (also known as c.748A>T), located in coding exon 5 of the NTHL1 gene, results from an A to T substitution at nucleotide position 748. The arginine at codon 250 is replaced by tryptophan, an amino acid with dissimilar properties. This amino acid position is conserved. In addition, this alteration is predicted to be tolerated by in silico analysis. Based on the available evidence, the clinical significance of this variant remains unclear.

NM_002528.7(NTHL1):c.724A>T (p.Arg242Trp)

Gene: NTHL1 (nth like DNA glycosylase 1; minus strand). Cytogenetic location: 16p13.3.
Variant type: single nucleotide variant.
Coding change: c.724A>T on transcript NM_002528.7 (MANE Select); coding-DNA position 724, A replaced by T.
Protein change: p.Arg242Trp; replaces arginine 242 with tryptophan.
Molecular consequence: missense variant.
Genome position (GRCh38, 1-based): chr16:2,040,200, T>A on the plus strand (A>T on the coding strand, the complement: NTHL1 is on the minus strand). VCF-style: chr16-2040200-T-A. GRCh37 (hg19) VCF-style: chr16-2090201-T-A.
Other names: c.553A>T, p.Arg185Trp (NM_001318193.2); c.394A>T, p.Arg132Trp (NM_001318194.2); short protein forms R132W, R185W, R242W.
Identifiers: ClinVar variation 4123320 (VCV004123320.1).
Genomic context (GRCh38, chr16:2,040,200, plus strand): 5'-GCCACTCCTCCAGGGCGGCGCGGGTCTCCTCTGGGGACTTGGTTGCCTTCTTGGTCCACC[T>A]CAGCCTGTTGGCGATTCTGTGCACATGCGTGTCCACTGCTGCTGGGAGGCCAAGCGGGGT-3'
Protein context (NP_002519.2, residues 232-252): THVHRIANRL[Arg242Trp]WTKKATKSPE